The following is an entry in ClinVar:

NM_001903.5(CTNNA1):c.1351C>T (p.Arg451Ter)

Gene: CTNNA1 (catenin alpha 1; plus strand). Cytogenetic location: 5q31.2.
Variant type: single nucleotide variant.
Coding change: c.1351C>T on transcript NM_001903.5 (MANE Select); coding-DNA position 1351, C replaced by T.
Protein change: p.Arg451Ter; replaces arginine 451 with a stop codon.
Molecular consequence: nonsense. On other transcripts: 5 prime UTR variant (6), intron variant (3).
Genome position (GRCh38, 1-based): chr5:138,904,403, C>T. VCF-style: chr5-138904403-C-T. GRCh37 (hg19) VCF-style: chr5-138240092-C-T.
Other names: c.1351C>T, p.Arg451Ter (NM_001290307.3, NM_001323982.2, NM_001323983.1 and 2 more transcripts); c.1042C>T, p.Arg348Ter (NM_001290309.3); c.982C>T, p.Arg328Ter (NM_001290310.3); c.241C>T, p.Arg81Ter (NM_001290312.1, NM_001323987.1, NM_001323988.1 and 17 more transcripts); c.-157C>T (NM_001324006.1, NM_001324007.1, NM_001324008.1 and 1 more transcripts); c.-3C>T (NM_001324012.1, NM_001324013.1); c.1297-13339C>T (NM_001323986.2); c.187-13339C>T (NM_001324011.1); and 1 more; short protein forms R451*, R328*, R348*, R81*.
Identifiers: ClinVar variation 659776 (VCV000659776.14), dbSNP rs201498915, ClinGen allele CA128250555.

ClinVar aggregate classification (germline): Pathogenic. Review status: criteria provided, multiple submitters, no conflicts (2 of 4 stars). 5 submissions from 5 submitters: Pathogenic (5). Last evaluated 2025-10-15.

Conditions:
Patterned macular dystrophy 2. Identifiers: Orphanet 99001, MedGen C1837029, MONDO:0012162, OMIM 608970.
Hereditary cancer-predisposing syndrome. Also called: Neoplastic Syndromes, Hereditary; Hereditary neoplastic syndrome; Hereditary Cancer Syndrome; Tumor predisposition. Identifiers: Orphanet 140162, MedGen C0027672, MeSH D009386, MONDO:0015356.
Hereditary diffuse gastric adenocarcinoma (HDGC). Also called: DIFFUSE GASTRIC AND LOBULAR BREAST CANCER SYNDROME. Identifiers: Orphanet 26106, MedGen C1708349, MONDO:0007648, OMIM 137215.

Allele frequency attached by ClinVar (database versions not stated): gnomAD exomes below 0.00001; TOPMed below 0.00001.
gnomAD v4.1: 5 of 1,614,082 alleles (0.00031%); highest among the groups gnomAD compares: Non-Finnish European, 0.00042%; no homozygotes.

Submissions (5):

Labcorp Genetics (formerly Invitae), Labcorp
Classification: Pathogenic. Last evaluated: 2025-10-15. Review status: criteria provided, single submitter. Criteria: Invitae Variant Classification Sherloc (09022015). Collection method: clinical testing. Allele origin: germline.
Comment: This sequence change creates a premature translational stop signal (p.Arg451*) in the CTNNA1 gene. It is expected to result in an absent or disrupted protein product. Loss-of-function variants in CTNNA1 are known to be pathogenic (PMID: 32051609, 34425242). This variant is not present in population databases (gnomAD no frequency). This premature translational stop signal has been observed in individual(s) with diffuse gastric cancer (PMID: 32051609). ClinVar contains an entry for this variant (Variation ID: 659776). For these reasons, this variant has been classified as Pathogenic.

Ambry Genetics
Classification: Pathogenic for Hereditary cancer-predisposing syndrome. Last evaluated: 2025-05-30. Review status: criteria provided, single submitter. Criteria: Ambry Variant Classification Scheme 2023. Collection method: clinical testing. Allele origin: germline.
Comment: The p.R451* pathogenic mutation (also known as c.1351C>T), located in coding exon 9 of the CTNNA1 gene, results from a C to T substitution at nucleotide position 1351. This changes the amino acid from an arginine to a stop codon within coding exon 9. In one study, this alteration was identified in three separate families with early-onset diffuse gastric cancer or breast cancer (Clark DF et al. Genet Med, 2020 05;22:840-846). This variant is considered to be rare based on population cohorts in the Genome Aggregation Database (gnomAD). This alteration is expected to result in loss of function by premature protein truncation or nonsense-mediated mRNA decay. As such, this alteration is interpreted as a disease-causing mutation.

Laboratory of Genetics, Children's Clinical University Hospital Latvia
Classification: Pathogenic. Last evaluated: 2025-02-16. Review status: criteria provided, single submitter. Criteria: ACMG Guidelines, 2015. Collection method: clinical testing. Allele origin: germline. Affected: yes.

Baylor Genetics
Classification: Pathogenic for Patterned macular dystrophy 2. Last evaluated: 2023-12-21. Review status: criteria provided, single submitter. Criteria: ACMG Guidelines, 2015. Collection method: clinical testing. Allele origin: unknown.

Myriad Genetics, Inc.
Classification: Pathogenic for Hereditary diffuse gastric adenocarcinoma. Last evaluated: 2023-07-05. Review status: criteria provided, single submitter. Criteria: Myriad Autosomal Dominant, Autosomal Recessive and X-Linked Classification Criteria (2023). Collection method: clinical testing. Allele origin: unknown.
Comment: This variant is considered pathogenic. This variant creates a termination codon and is predicted to result in premature protein truncation.

Literature cited by the submitters: PubMed 32051609 (cited by Labcorp Genetics (formerly Invitae), Labcorp and Ambry Genetics); PubMed 34425242 (cited by Labcorp Genetics (formerly Invitae), Labcorp).